The following is an entry in ClinVar:

ClinVar aggregate classification (germline): Uncertain significance (1 of 4 stars; one submission).

Submission:

Labcorp Genetics (formerly Invitae), Labcorp
Classification: Uncertain significance. Last evaluated: 2025-12-31. Review status: criteria provided, single submitter. Criteria: Invitae Variant Classification Sherloc (09022015). Collection method: clinical testing. Allele origin: germline.
Comment: This sequence change replaces histidine, which is basic and polar, with tyrosine, which is neutral and polar, at codon 655 of the GPR179 protein (p.His655Tyr). This variant is not present in population databases (gnomAD no frequency). This variant has not been reported in the literature in individuals affected with GPR179-related conditions. An algorithm developed to predict the effect of missense changes on protein structure and function (PolyPhen-2) suggests that this variant is likely to be tolerated. In summary, the available evidence is currently insufficient to determine the role of this variant in disease. Therefore, it has been classified as a Variant of Uncertain Significance.

NM_001004334.4(GPR179):c.1963C>T (p.His655Tyr)

Gene: GPR179 (G protein-coupled receptor 179; minus strand). Cytogenetic location: 17q12.
Variant type: single nucleotide variant.
Coding change: c.1963C>T on transcript NM_001004334.4 (MANE Select); coding-DNA position 1963, C replaced by T.
Protein change: p.His655Tyr; replaces histidine 655 with tyrosine.
Molecular consequence: missense variant.
Genome position (GRCh38, 1-based): chr17:38,333,325, G>A on the plus strand (C>T on the coding strand, the complement: GPR179 is on the minus strand). VCF-style: chr17-38333325-G-A. GRCh37 (hg19) VCF-style: chr17-36489208-G-A.
Other names: short protein forms H655Y.
Identifiers: ClinVar variation 4732157 (VCV004732157.1).